The following is an entry in ClinVar:

NM_003000.3(SDHB):c.71_72delinsCC (p.Gln24Pro)

Genes: SDHB (succinate dehydrogenase complex iron sulfur subunit B; minus strand), LOC129929542 (ATAC-STARR-seq lymphoblastoid active region 277; plus strand). Cytogenetic location: 1p36.13.
Variant type: Indel.
Coding change: c.71_72delinsCC on transcript NM_003000.3 (MANE Select); coding-DNA positions 71 to 72, AG replaced by CC.
Protein change: p.Gln24Pro; replaces glutamine 24 with proline.
Molecular consequence: missense variant.
Genome position (GRCh38, 1-based): chr1:17,053,948-17,053,949, CT replaced by GG on the plus strand (AG replaced by CC on the coding strand, the reverse complement: SDHB is on the minus strand). VCF-style: chr1-17053948-CT-GG. GRCh37 (hg19) VCF-style: chr1-17380443-CT-GG.
Other names: c.71_72delAGinsCC (NM_003000.2); short protein forms Q24P.
Identifiers: ClinVar variation 839853 (VCV000839853.12), dbSNP rs2078163018, ClinGen allele CA916081285.

ClinVar aggregate classification (germline): Uncertain significance. Review status: criteria provided, multiple submitters, no conflicts (2 of 4 stars). 4 submissions from 4 submitters: Uncertain significance (4). Last evaluated 2026-02-10.

Conditions:
Gastrointestinal stromal tumor. Also called: Gastrointestinal stromal tumor, somatic; Gastrointestinal stroma tumor. Identifiers: Orphanet 44890, MedGen C0238198, MeSH D046152, MONDO:0011719, OMIM 606764, HP:0100723.
Hereditary cancer-predisposing syndrome. Also called: Neoplastic Syndromes, Hereditary; Tumor predisposition; Hereditary Cancer Syndrome; Hereditary neoplastic syndrome. Identifiers: Orphanet 140162, MedGen C0027672, MeSH D009386, MONDO:0015356.
Pheochromocytoma/paraganglioma syndrome 4. Also called: CAROTID BODY TUMORS AND MULTIPLE EXTRAADRENAL PHEOCHROMOCYTOMAS; SDHB-Related Hereditary Paraganglioma-Pheochromocytoma Syndrome (Paragangliomas 4); SDHB-Related Hereditary Paraganglioma-Pheochromocytoma Syndrome; PARAGANGLIOMA, FAMILIAL MALIGNANT; PARAGANGLIOMAS, HEREDITARY EXTRAADRENAL; PHEOCHROMOCYTOMA, FAMILIAL EXTRAADRENAL. Identifiers: Orphanet 29072, MedGen C1861848, MONDO:0007273, OMIM 115310.
Pheochromocytoma. Also called: MAX-Related Hereditary Paraganglioma-Pheochromocytoma Syndrome. Identifiers: Orphanet 29072, MedGen C0031511, MONDO:0008233, OMIM 171300, HP:0002666.

Submissions (4):

Ambry Genetics
Classification: Uncertain significance for Hereditary cancer-predisposing syndrome. Last evaluated: 2026-02-10. Review status: criteria provided, single submitter. Criteria: Ambry Variant Classification Scheme 2023. Collection method: clinical testing. Allele origin: germline.
Comment: The c.71_72delAGinsCC variant (also known as p.Q24P), located in coding exon 1 of the SDHB gene, results from an in-frame deletion of AG and insertion of CC at nucleotide positions 71 to 72. This results in the substitution of the glutamine residue for a proline residue at codon 24, an amino acid with similar properties. However, this change occurs in the last two base pairs of coding exon 1, which makes it likely to have some effect on normal mRNA splicing. In silico splice site analysis for this alteration is inconclusive, direct evidence is insufficient at this time (Ambry internal data). In addition, as an indel resulting in a missense substitution, this alteration is predicted to be neutral by in silico analysis (Choi Y et al. PLoS ONE. 2012; 7(10):e46688). Based on the available evidence, the clinical significance of this variant remains unclear.

Labcorp Genetics (formerly Invitae), Labcorp
Classification: Uncertain significance for Gastrointestinal stromal tumor; Pheochromocytoma/paraganglioma syndrome 4; Pheochromocytoma. Last evaluated: 2025-11-05. Review status: criteria provided, single submitter. Criteria: Invitae Variant Classification Sherloc (09022015). Collection method: clinical testing. Allele origin: germline.
Comment: This sequence change replaces glutamine, which is neutral and polar, with proline, which is neutral and non-polar, at codon 24 of the SDHB protein (p.Gln24Pro). Information on the frequency of this variant in the gnomAD database is not available, as this variant may be reported differently in the database. This variant has not been reported in the literature in individuals affected with SDHB-related conditions. ClinVar contains an entry for this variant (Variation ID: 839853). An algorithm developed to predict the effect of missense changes on protein structure and function (PolyPhen-2) suggests that this variant is likely to be tolerated. In summary, the available evidence is currently insufficient to determine the role of this variant in disease. Therefore, it has been classified as a Variant of Uncertain Significance.

Baylor Genetics
Classification: Uncertain significance for Gastrointestinal stromal tumor. Last evaluated: 2023-11-06. Review status: criteria provided, single submitter. Criteria: ACMG Guidelines, 2015. Collection method: clinical testing. Allele origin: unknown.

GeneDx
Classification: Uncertain significance. Last evaluated: 2023-04-05. Review status: criteria provided, single submitter. Criteria: GeneDx Variant Classification Process June 2021. Collection method: clinical testing. Allele origin: germline. Affected: yes.
Comment: Not observed at significant frequency in large population cohorts (gnomAD); In silico analysis supports that this variant does not alter protein structure/function; Has not been previously published as pathogenic or benign to our knowledge